The following is an entry in ClinVar:

NM_001005337.3(PKP1):c.2038G>A (p.Ala680Thr)

Gene: PKP1 (plakophilin 1; plus strand). Cytogenetic location: 1q32.1.
Variant type: single nucleotide variant.
Coding change: c.2038G>A on transcript NM_001005337.3 (MANE Select); coding-DNA position 2038, G replaced by A.
Protein change: p.Ala680Thr; replaces alanine 680 with threonine.
Molecular consequence: missense variant.
Genome position (GRCh38, 1-based): chr1:201,325,770, G>A. VCF-style: chr1-201325770-G-A. GRCh37 (hg19) VCF-style: chr1-201294898-G-A.
Other names: c.2101G>A, p.Ala701Thr (NM_000299.4); short protein forms A701T, A680T.
Identifiers: ClinVar variation 2179892 (VCV002179892.4), dbSNP rs553668177, ClinGen allele CA1324695.

ClinVar aggregate classification (germline): Uncertain significance (1 of 4 stars; one submission).

Allele frequency attached by ClinVar (database versions not stated): TOPMed 0.00001; gnomAD 0.00007; ExAC 0.00020; 1000 Genomes Project 30x 0.00078; 1000 Genomes Project 0.00100.
gnomAD v4.1: 135 of 1,613,848 alleles (0.0084%); highest among the groups gnomAD compares: South Asian, 0.12%; 1 homozygote.

Submission:

Labcorp Genetics (formerly Invitae), Labcorp
Classification: Uncertain significance. Last evaluated: 2022-07-21. Review status: criteria provided, single submitter. Criteria: Invitae Variant Classification Sherloc (09022015). Collection method: clinical testing. Allele origin: germline.
Comment: In summary, the available evidence is currently insufficient to determine the role of this variant in disease. Therefore, it has been classified as a Variant of Uncertain Significance. Algorithms developed to predict the effect of missense changes on protein structure and function are either unavailable or do not agree on the potential impact of this missense change (SIFT: "Tolerated"; PolyPhen-2: "Probably Damaging"; Align-GVGD: "Class C0"). This variant has not been reported in the literature in individuals affected with PKP1-related conditions. This variant is present in population databases (rs553668177, gnomAD 0.1%). This sequence change replaces alanine, which is neutral and non-polar, with threonine, which is neutral and polar, at codon 680 of the PKP1 protein (p.Ala680Thr).